The following is an entry in ClinVar:

NM_001283009.2(RTEL1):c.2828C>G (p.Pro943Arg)

Genes: RTEL1-TNFRSF6B (RTEL1-TNFRSF6B readthrough (NMD candidate); plus strand), RTEL1 (regulator of telomere elongation helicase 1; plus strand). Cytogenetic location: 20q13.33.
Variant type: single nucleotide variant.
Coding change: c.2828C>G on transcript NM_001283009.2 (MANE Select); coding-DNA position 2828, C replaced by G.
Protein change: p.Pro943Arg; replaces proline 943 with arginine.
Molecular consequence: missense variant. On other transcripts: non-coding transcript variant (1).
Genome position (GRCh38, 1-based): chr20:63,692,980, C>G. VCF-style: chr20-63692980-C-G. GRCh37 (hg19) VCF-style: chr20-62324333-C-G.
Other names: c.2159C>G, p.Pro720Arg (NM_001283010.1); c.2828C>G, p.Pro943Arg (NM_016434.4); c.2900C>G, p.Pro967Arg (NM_032957.5); c.2900C>G (NM_032957.4); short protein forms P720R, P967R, P943R.
Identifiers: ClinVar variation 851856 (VCV000851856.7), dbSNP rs142969505, ClinGen allele CA9965564.

ClinVar aggregate classification (germline): Uncertain significance. Review status: criteria provided, multiple submitters, no conflicts (2 of 4 stars). 3 submissions from 3 submitters: Uncertain significance (2). 1 of the submissions does not count toward it. Last evaluated 2025-10-03.

Conditions:
Dyskeratosis congenita. Identifiers: Orphanet 1775, MedGen C0265965, MONDO:0015780.
Dyskeratosis congenita, autosomal recessive 5 (DKCB5). Identifiers: MedGen C3554656, MONDO:0014076, OMIM 615190.
Pulmonary fibrosis and/or bone marrow failure, Telomere-related, 3. Also called: PULMONARY FIBROSIS AND/OR BONE MARROW FAILURE SYNDROME, TELOMERE-RELATED, 3. Identifiers: Orphanet 2032, MedGen C4225346, MONDO:0014613, OMIM 616373.
Inborn genetic diseases. Identifiers: MedGen C0950123, MeSH D030342.

Allele frequency attached by ClinVar (database versions not stated): TOPMed 0.00010; ESP Exome Variant Server 0.00023.
gnomAD v4.1: 72 of 1,612,504 alleles (0.0045%); highest among the groups gnomAD compares: African/African-American, 0.011%; no homozygotes.

Submissions (3):

Labcorp Genetics (formerly Invitae), Labcorp
Classification: Uncertain significance for Dyskeratosis congenita, autosomal recessive 5; Pulmonary fibrosis and/or bone marrow failure, Telomere-related, 3. Last evaluated: 2025-10-03. Review status: criteria provided, single submitter. Criteria: Invitae Variant Classification Sherloc (09022015). Collection method: clinical testing. Allele origin: germline.
Comment: This sequence change replaces proline, which is neutral and non-polar, with arginine, which is basic and polar, at codon 943 of the RTEL1 protein (p.Pro943Arg). This variant is present in population databases (rs142969505, gnomAD 0.006%). This variant has not been reported in the literature in individuals affected with RTEL1-related conditions. ClinVar contains an entry for this variant (Variation ID: 851856). An algorithm developed to predict the effect of missense changes on protein structure and function (PolyPhen-2) suggests that this variant is likely to be tolerated. In summary, the available evidence is currently insufficient to determine the role of this variant in disease. Therefore, it has been classified as a Variant of Uncertain Significance.

Ambry Genetics
Classification: Uncertain significance for Inborn genetic diseases. Last evaluated: 2021-10-11. Review status: criteria provided, single submitter. Criteria: Ambry Variant Classification Scheme 2023. Collection method: clinical testing. Allele origin: germline.

Natera, Inc.
Classification: Uncertain significance for Dyskeratosis congenita. Last evaluated: 2020-02-21. Review status: no assertion criteria provided. Collection method: clinical testing. Allele origin: germline. Not counted in ClinVar's aggregate classification.